The following is an entry in ClinVar:

NM_001099271.2(POC5):c.1265_1266delinsTT (p.Ala422Val)

Gene: POC5 (POC5 centriolar protein; minus strand). Cytogenetic location: 5q13.3.
Variant type: Indel.
Coding change: c.1265_1266delinsTT on transcript NM_001099271.2 (MANE Select); coding-DNA positions 1265 to 1266, CC replaced by TT.
Protein change: p.Ala422Val; replaces alanine 422 with valine.
Molecular consequence: missense variant.
Genome position (GRCh38, 1-based): chr5:75,685,348-75,685,349, GG replaced by AA on the plus strand (CC replaced by TT on the coding strand, the reverse complement: POC5 is on the minus strand). VCF-style: chr5-75685348-GG-AA. GRCh37 (hg19) VCF-style: chr5-74981173-GG-AA.
Other names: c.1190_1191delinsTT, p.Ala397Val (NM_152408.3); short protein forms A422V, A397V.
Identifiers: ClinVar variation 2066889 (VCV002066889.4), dbSNP rs2478798259, ClinGen allele CA2580073437.

ClinVar aggregate classification (germline): Uncertain significance (1 of 4 stars; one submission).

Submission:

Labcorp Genetics (formerly Invitae), Labcorp
Classification: Uncertain significance. Last evaluated: 2025-12-08. Review status: criteria provided, single submitter. Criteria: Invitae Variant Classification Sherloc (09022015). Collection method: clinical testing. Allele origin: germline.
Comment: This sequence change replaces alanine, which is neutral and non-polar, with valine, which is neutral and non-polar, at codon 422 of the POC5 protein (p.Ala422Val). Information on the frequency of this variant in the gnomAD database is not available, as this variant may be reported differently in the database. This variant has not been reported in the literature in individuals affected with POC5-related conditions. ClinVar contains an entry for this variant (Variation ID: 2066889). An algorithm developed to predict the effect of missense changes on protein structure and function (PolyPhen-2) suggests that this variant is likely to be disruptive. In summary, the available evidence is currently insufficient to determine the role of this variant in disease. Therefore, it has been classified as a Variant of Uncertain Significance.